The following is an entry in ClinVar:

ClinVar aggregate classification (germline): Uncertain significance (1 of 4 stars; one submission).

Submission:

CeGaT Center for Human Genetics Tuebingen
Classification: Uncertain significance. Last evaluated: 2026-08-01. Review status: criteria provided, single submitter. Criteria: CeGaT Center For Human Genetics Tuebingen Variant Classification Criteria Version 2. Collection method: clinical testing. Allele origin: germline. Affected: yes. Observed: 1 variant allele.
Comment: SPTBN2: PM2

NM_006946.4(SPTBN2):c.4463G>A (p.Arg1488His)

Gene: SPTBN2 (spectrin beta, non-erythrocytic 2; minus strand). Cytogenetic location: 11q13.2.
Variant type: single nucleotide variant.
Coding change: c.4463G>A on transcript NM_006946.4 (MANE Select); coding-DNA position 4463, G replaced by A.
Protein change: p.Arg1488His; replaces arginine 1488 with histidine.
Molecular consequence: missense variant.
Genome position (GRCh38, 1-based): chr11:66,694,179, C>T on the plus strand (G>A on the coding strand, the complement: SPTBN2 is on the minus strand). VCF-style: chr11-66694179-C-T. GRCh37 (hg19) VCF-style: chr11-66461650-C-T.
Other names: c.4484G>A, p.Arg1495His (NM_001411025.1); c.4463G>A, p.Arg1488His (NM_001437541.1); short protein forms R1488H, R1495H.
Identifiers: ClinVar variation 5039252 (VCV005039252.1).